The following is an entry in ClinVar:

NM_001999.4(FBN2):c.5422+154G>A

Gene: FBN2 (fibrillin 2; minus strand). Cytogenetic location: 5q23.3.
Variant type: single nucleotide variant.
Coding change: c.5422+154G>A on transcript NM_001999.4 (MANE Select); 154 bases into the intron after coding-DNA position 5422, G replaced by A.
Molecular consequence: intron variant.
Genome position (GRCh38, 1-based): chr5:128,306,981, C>T on the plus strand (G>A on the coding strand, the complement: FBN2 is on the minus strand). VCF-style: chr5-128306981-C-T. GRCh37 (hg19) VCF-style: chr5-127642673-C-T.
Identifiers: ClinVar variation 675403 (VCV000675403.1), dbSNP rs17839648, ClinGen allele CA126985319.

ClinVar aggregate classification (germline): Benign (1 of 4 stars; one submission).

Allele frequency attached by ClinVar (database versions not stated): gnomAD 0.04363; TOPMed 0.04985; 1000 Genomes Project 0.05431; 1000 Genomes Project 30x 0.05793.
gnomAD v4.1: 6,724 of 152,232 alleles (4.4%); highest among the groups gnomAD compares: African/African-American, 15%; 509 homozygotes.

Submission:

GeneDx
Classification: Benign. Last evaluated: 2018-06-14. Review status: criteria provided, single submitter. Criteria: GeneDx Variant Classification (06012015). Collection method: clinical testing. Allele origin: germline. Affected: yes.
Comment: This variant is considered likely benign or benign based on one or more of the following criteria: it is a conservative change, it occurs at a poorly conserved position in the protein, it is predicted to be benign by multiple in silico algorithms, and/or has population frequency not consistent with disease.